The following is an entry in ClinVar:

ClinVar aggregate classification (germline): Uncertain significance (1 of 4 stars; one submission).

Conditions:
PHGDH deficiency. Identifiers: Orphanet 79351, MedGen C1866174, MONDO:0011152, OMIM 601815.

Allele frequency attached by ClinVar (database versions not stated): ExAC 0.00003.
gnomAD v4.1: 16 of 1,613,324 alleles (0.00099%); highest among the groups gnomAD compares: African/African-American, 0.008%; no homozygotes.

Submission:

Labcorp Genetics (formerly Invitae), Labcorp
Classification: Uncertain significance for PHGDH deficiency. Last evaluated: 2022-05-20. Review status: criteria provided, single submitter. Criteria: Invitae Variant Classification Sherloc (09022015). Collection method: clinical testing. Allele origin: germline.
Comment: This sequence change replaces threonine, which is neutral and polar, with methionine, which is neutral and non-polar, at codon 313 of the PHGDH protein (p.Thr313Met). This variant is present in population databases (rs757082646, gnomAD 0.01%). This variant has not been reported in the literature in individuals affected with PHGDH-related conditions. Algorithms developed to predict the effect of missense changes on protein structure and function (SIFT, PolyPhen-2, Align-GVGD) all suggest that this variant is likely to be tolerated. In summary, the available evidence is currently insufficient to determine the role of this variant in disease. Therefore, it has been classified as a Variant of Uncertain Significance.

NM_006623.4(PHGDH):c.938C>T (p.Thr313Met)

Gene: PHGDH (phosphoglycerate dehydrogenase; plus strand). Cytogenetic location: 1p12.
Variant type: single nucleotide variant.
Coding change: c.938C>T on transcript NM_006623.4 (MANE Select); coding-DNA position 938, C replaced by T.
Protein change: p.Thr313Met; replaces threonine 313 with methionine.
Molecular consequence: missense variant.
Genome position (GRCh38, 1-based): chr1:119,737,259, C>T. VCF-style: chr1-119737259-C-T. GRCh37 (hg19) VCF-style: chr1-120279882-C-T.
Other names: short protein forms T313M.
Identifiers: ClinVar variation 2150072 (VCV002150072.1), dbSNP rs757082646, ClinGen allele CA1037297.